The following is an entry in ClinVar:

ClinVar aggregate classification (germline): Benign. Review status: criteria provided, multiple submitters, no conflicts (2 of 4 stars). 2 submissions from 2 submitters: Benign (2). Last evaluated 2018-01-12.

Conditions:
Pulmonary hypertension, primary, 1 (PPH1). Also called: Pulmonary hypertension, familial primary, 1, with or without HHT. Identifiers: Orphanet 422, MedGen C4552070, MONDO:0024533, OMIM 178600.

Allele frequency attached by ClinVar (database versions not stated): gnomAD 0.02002 and 0.02049; 1000 Genomes Project 30x 0.01234; TOPMed 0.01706; 1000 Genomes Project 0.01198.

Submissions (2):

Illumina Laboratory Services, Illumina
Classification: Benign for Pulmonary hypertension, primary, 1. Last evaluated: 2018-01-12. Review status: criteria provided, single submitter. Criteria: ICSL Variant Classification Criteria 13 December 2019. Collection method: clinical testing. Allele origin: germline.
Comment: This variant was observed in the ICSL laboratory as part of a predisposition screen in an ostensibly healthy population. It had not been previously curated by ICSL or reported in the Human Gene Mutation Database (HGMD: prior to June 1st, 2018), and was therefore a candidate for classification through an automated scoring system. Utilizing variant allele frequency, disease prevalence and penetrance estimates, and inheritance mode, an automated score was calculated to assess if this variant is too frequent to cause the disease. Based on the score and internal cut-off values, a variant classified as benign is not then subjected to further curation. The score for this variant resulted in a classification of benign for this disease.

Breakthrough Genomics
Classification: Benign. Review status: criteria provided, single submitter. Criteria: ACMG Guidelines, 2015. Collection method: not provided. Allele origin: germline. Inheritance: Autosomal dominant inheritance. Affected: yes.

NM_001204.7(BMPR2):c.*1236C>A

Gene: BMPR2 (bone morphogenetic protein receptor type 2; plus strand). Cytogenetic location: 2q33.2.
Variant type: single nucleotide variant.
Coding change: c.*1236C>A on transcript NM_001204.7 (MANE Select); 1236 bases downstream of the stop codon, C replaced by A.
Molecular consequence: 3 prime UTR variant.
Genome position (GRCh38, 1-based): chr2:202,561,182, C>A. VCF-style: chr2-202561182-C-A. GRCh37 (hg19) VCF-style: chr2-203425905-C-A.
Other names: c.*1236C>A (LRG_712t1).
Identifiers: ClinVar variation 333668 (VCV000333668.6), dbSNP rs113305949, ClinGen allele CA10612059.